The following is an entry in ClinVar:

ClinVar aggregate classification (germline): Likely pathogenic (1 of 4 stars; one submission).

Conditions:
Focal segmental glomerulosclerosis (FSGS). Also called: Glomerulosclerosis, focal; Focal sclerosis with hyalinosis. Identifiers: MedGen C0017668, MONDO:0100313, HP:0000097. Disease mechanism: loss of function.

Submission:

Molecular Lab, University of Sulaimaniyah
Classification: Likely pathogenic for Focal segmental glomerulosclerosis. Last evaluated: 2026-03-12. Review status: criteria provided, single submitter. Criteria: ACMG Guidelines, 2015. Collection method: clinical testing. Allele origin: germline. Inheritance: Autosomal recessive inheritance. Affected: yes. Observed: 1 variant allele, 1 homozygote.
Comment: This variant was classified using the ACMG/AMP 2015 framework (PMID:25741868). PVS1 was applied because CEP290 c.6416_6417delAA is a predicted loss-of-function frameshift variant expected to create a premature termination codon in a recessive ciliopathy-associated gene for which loss of function is an established disease mechanism. The submitted classification reflects this combination of variant type, gene-disease mechanism, and internal observation data. Overall, the weight of evidence supported a Likely pathogenic classification.

NM_025114.4(CEP290):c.6416_6417del (p.Lys2139fs)

Gene: CEP290 (centrosomal protein 290; minus strand). Cytogenetic location: 12q21.32.
Variant type: Deletion.
Coding change: c.6416_6417del on transcript NM_025114.4 (MANE Select); coding-DNA positions 6416 to 6417, 2 bases deleted (AA; older notation c.6416_6417delAA).
Protein change: p.Lys2139fs; shifts the reading frame from lysine 2139.
Molecular consequence: frameshift variant.
Genome position (GRCh38, 1-based): chr12:88,060,935-88,060,936, TT deleted on the plus strand (AA on the coding strand, the reverse complement: CEP290 is on the minus strand); deleting any 2 consecutive bases within chr12:88,060,935-88,060,940 gives the same sequence; the c. name uses the placement nearest the transcript's 3' end. VCF-style (leftmost placement, unchanged base first): chr12-88060934-CTT-C. GRCh37 (hg19) VCF-style: chr12-88454711-CTT-C.
Other names: c.6416_6417delAA (NM_025114.4); short protein forms K2139fs.
Identifiers: ClinVar variation 4813872 (VCV004813872.1).